The following is an entry in ClinVar:

ClinVar aggregate classification (germline): Uncertain significance (1 of 4 stars; one submission).

Conditions:
Cardiovascular phenotype. Identifiers: MedGen CN230736.

Submission:

Ambry Genetics
Classification: Uncertain significance for Cardiovascular phenotype. Last evaluated: 2020-11-30. Review status: criteria provided, single submitter. Criteria: Ambry Variant Classification Scheme 2023. Collection method: clinical testing. Allele origin: germline.
Comment: The p.S1124R variant (also known as c.3370A>C), located in coding exon 6 of the ALPK3 gene, results from an A to C substitution at nucleotide position 3370. The serine at codon 1124 is replaced by arginine, an amino acid with dissimilar properties. This amino acid position is not well conserved in available vertebrate species. In addition, this alteration is predicted to be tolerated by in silico analysis. Since supporting evidence is limited at this time, the clinical significance of this alteration remains unclear.

NM_020778.5(ALPK3):c.2764A>C (p.Ser922Arg)

Gene: ALPK3 (alpha kinase 3; plus strand). Cytogenetic location: 15q25.3.
Variant type: single nucleotide variant.
Coding change: c.2764A>C on transcript NM_020778.5 (MANE Select); coding-DNA position 2764, A replaced by C.
Protein change: p.Ser922Arg; replaces serine 922 with arginine.
Molecular consequence: missense variant.
Genome position (GRCh38, 1-based): chr15:84,857,502, A>C. VCF-style: chr15-84857502-A-C. GRCh37 (hg19) VCF-style: chr15-85400733-A-C.
Other names: short protein forms S922R.
Identifiers: ClinVar variation 1730736 (VCV001730736.2), dbSNP rs1279165370, ClinGen allele CA393358288.
Genomic context (GRCh38, chr15:84,857,502, plus strand): 5'-GATCAGGTCCTGATGAGTTCTGCCCCAACACTGCACCTGGGGCTGGGGACCCCCACTCAG[A>C]GTCACCCACCAGAAACCATGGCCACCAGCAGTGAGGGGGCCTGCGCCCAGGTACCAGATG-3'
Protein context (NP_065829.4, residues 912-932): LHLGLGTPTQ[Ser922Arg]HPPETMATSS